The following is an entry in ClinVar:

ClinVar aggregate classification (germline): Benign/Likely benign. Review status: criteria provided, multiple submitters, no conflicts (2 of 4 stars). 5 submissions from 5 submitters: Benign (1); Likely benign (4). Last evaluated 2026-05-18.

Conditions:
Hereditary cancer-predisposing syndrome. Also called: Tumor predisposition; Hereditary neoplastic syndrome; Neoplastic Syndromes, Hereditary; Hereditary Cancer Syndrome. Identifiers: Orphanet 140162, MedGen C0027672, MeSH D009386, MONDO:0015356.
Neurofibromatosis, type 1 (NF1). Also called: Neurofibromatosis, type I; NEUROFIBROMATOSIS, TYPE I, SOMATIC; VON RECKLINGHAUSEN DISEASE; Peripheral type neurofibromatosis. Identifiers: Orphanet 636, MedGen C0027831, MONDO:0018975, OMIM 162200. Disease mechanism: loss of function.

Allele frequency attached by ClinVar (database versions not stated): gnomAD exomes 0.00003; ExAC 0.00002; TOPMed 0.00001.
gnomAD v4.1: 41 of 1,613,482 alleles (0.0025%); highest among the groups gnomAD compares: Non-Finnish European, 0.0035%; no homozygotes.

Submissions (5):

Myriad Genetics, Inc.
Classification: Benign for Neurofibromatosis, type 1. Last evaluated: 2026-05-18. Review status: criteria provided, single submitter. Criteria: Myriad Autosomal Dominant, Autosomal Recessive and X-Linked Classification Criteria (2023). Collection method: clinical testing. Allele origin: unknown.
Comment: This variant is considered benign. This variant is a silent/synonymous amino acid change and it is not expected to impact splicing.

Labcorp Genetics (formerly Invitae), Labcorp
Classification: Likely benign for Neurofibromatosis, type 1. Last evaluated: 2026-01-15. Review status: criteria provided, single submitter. Criteria: Invitae Variant Classification Sherloc (09022015). Collection method: clinical testing. Allele origin: germline.

Women's Health and Genetics/Laboratory Corporation of America, LabCorp
Classification: Likely benign. Last evaluated: 2025-09-29. Review status: criteria provided, single submitter. Criteria: LabCorp Variant Classification Summary - May 2015. Collection method: clinical testing. Allele origin: germline.

GeneDx
Classification: Likely benign. Last evaluated: 2021-01-29. Review status: criteria provided, single submitter. Criteria: GeneDx Variant Classification Process June 2021. Collection method: clinical testing. Allele origin: germline. Affected: yes.

Ambry Genetics
Classification: Likely benign for Hereditary cancer-predisposing syndrome. Last evaluated: 2015-04-09. Review status: criteria provided, single submitter. Criteria: Ambry Autosomal Dominant and X-Linked criteria (10/2015). Collection method: clinical testing. Allele origin: germline. Observed: 1 variant allele.

Literature cited by the submitters: PubMed 10678181 (cited by Women's Health and Genetics/Laboratory Corporation of America, LabCorp); PubMed 23460398 (cited by Women's Health and Genetics/Laboratory Corporation of America, LabCorp); PubMed 29872168 (cited by Women's Health and Genetics/Laboratory Corporation of America, LabCorp).

NM_001042492.3(NF1):c.2652G>A (p.Glu884=)

Gene: NF1 (neurofibromin 1; plus strand). Cytogenetic location: 17q11.2.
Variant type: single nucleotide variant.
Coding change: c.2652G>A on transcript NM_001042492.3 (MANE Select); coding-DNA position 2652, G replaced by A.
Protein change: p.Glu884=; no amino-acid change (glutamic acid 884 retained).
Molecular consequence: synonymous variant.
Genome position (GRCh38, 1-based): chr17:31,229,267, G>A. VCF-style: chr17-31229267-G-A. GRCh37 (hg19) VCF-style: chr17-29556285-G-A.
Other names: c.2652G>A, p.Glu884= (NM_000267.4).
Identifiers: ClinVar variation 184887 (VCV000184887.16), dbSNP rs757843283, ClinGen allele CA190385.